The following is an entry in ClinVar:

ClinVar aggregate classification (germline): Uncertain significance (1 of 4 stars; one submission).

gnomAD v4.1: 2 of 1,614,026 alleles (0.00012%); highest among the groups gnomAD compares: Non-Finnish European, 0.00017%; no homozygotes.

Submission:

CeGaT Center for Human Genetics Tuebingen
Classification: Uncertain significance. Last evaluated: 2026-08-01. Review status: criteria provided, single submitter. Criteria: CeGaT Center For Human Genetics Tuebingen Variant Classification Criteria Version 2. Collection method: clinical testing. Allele origin: germline. Affected: yes. Observed: 1 variant allele.
Comment: SBF1: PM2

NM_002972.4(SBF1):c.3416G>A (p.Ser1139Asn)

Gene: SBF1 (SET binding factor 1; minus strand). Cytogenetic location: 22q13.33.
Variant type: single nucleotide variant.
Coding change: c.3416G>A on transcript NM_002972.4 (MANE Select); coding-DNA position 3416, G replaced by A.
Protein change: p.Ser1139Asn; replaces serine 1139 with asparagine.
Molecular consequence: missense variant.
Genome position (GRCh38, 1-based): chr22:50,460,027, C>T on the plus strand (G>A on the coding strand, the complement: SBF1 is on the minus strand). VCF-style: chr22-50460027-C-T. GRCh37 (hg19) VCF-style: chr22-50898456-C-T.
Other names: c.3419G>A, p.Ser1140Asn (NM_001365819.1, NM_001410794.1); c.3416G>A, p.Ser1139Asn (NM_001410795.1); short protein forms S1139N, S1140N.
Identifiers: ClinVar variation 5039888 (VCV005039888.1).